The following is an entry in ClinVar:

NM_002439.5(MSH3):c.2729C>T (p.Ala910Val)

Gene: MSH3 (mutS homolog 3; plus strand). Cytogenetic location: 5q14.1.
Variant type: single nucleotide variant.
Coding change: c.2729C>T on transcript NM_002439.5 (MANE Select); coding-DNA position 2729, C replaced by T.
Protein change: p.Ala910Val; replaces alanine 910 with valine.
Molecular consequence: missense variant.
Genome position (GRCh38, 1-based): chr5:80,813,657, C>T. VCF-style: chr5-80813657-C-T. GRCh37 (hg19) VCF-style: chr5-80109476-C-T.
Other names: short protein forms A910V.
Identifiers: ClinVar variation 4722127 (VCV004722127.1).

ClinVar aggregate classification (germline): Uncertain significance (1 of 4 stars; one submission).

Submission:

Labcorp Genetics (formerly Invitae), Labcorp
Classification: Uncertain significance. Last evaluated: 2025-08-01. Review status: criteria provided, single submitter. Criteria: Invitae Variant Classification Sherloc (09022015). Collection method: clinical testing. Allele origin: germline.
Comment: This sequence change replaces alanine, which is neutral and non-polar, with valine, which is neutral and non-polar, at codon 910 of the MSH3 protein (p.Ala910Val). This variant is not present in population databases (gnomAD no frequency). This variant has not been reported in the literature in individuals affected with MSH3-related conditions. An algorithm developed to predict the effect of missense changes on protein structure and function (PolyPhen-2) suggests that this variant is likely to be disruptive. In summary, the available evidence is currently insufficient to determine the role of this variant in disease. Therefore, it has been classified as a Variant of Uncertain Significance.